The following is an entry in ClinVar:

NM_005909.5(MAP1B):c.4323_4327del (p.Val1442fs)

Gene: MAP1B (microtubule associated protein 1B; plus strand). Cytogenetic location: 5q13.2.
Variant type: Deletion.
Coding change: c.4323_4327del on transcript NM_005909.5 (MANE Select); coding-DNA positions 4323 to 4327, 5 bases deleted (AGTAA; older notation c.4323_4327delAGTAA).
Protein change: p.Val1442fs; shifts the reading frame from valine 1442.
Molecular consequence: frameshift variant.
Genome position (GRCh38, 1-based): chr5:72,197,678-72,197,682, AGTAA deleted; deleting any 5 consecutive bases within chr5:72,197,677-72,197,682 gives the same sequence; the c. name uses the placement nearest the transcript's 3' end. VCF-style (leftmost placement, unchanged base first): chr5-72197676-CAAGTA-C. GRCh37 (hg19) VCF-style: chr5-71493503-CAAGTA-C.
Other names: c.3945_3949del, p.Val1316fs (NM_001324255.2); short protein forms V1316fs, V1442fs.
Identifiers: ClinVar variation 4996783 (VCV004996783.1).

ClinVar aggregate classification (germline): Likely pathogenic (1 of 4 stars; one submission).

Conditions:
MAP1B-related disorder. Also called: MAP1B-related condition.

Submission:

PreventionGenetics, part of Exact Sciences
Classification: Likely pathogenic for MAP1B-related condition. Last evaluated: 2025-04-09. Review status: criteria provided, single submitter. Criteria: ACMG Guidelines, 2015. Collection method: clinical testing. Allele origin: germline.
Comment: The MAP1B c.4323_4327del5 variant is predicted to result in a frameshift and premature protein termination (p.Val1442Serfs*4). To our knowledge, this variant has not been reported in the literature or in a large population database (gnomAD), indicating this variant is rare. Frameshift variants in MAP1B are expected to be pathogenic. This variant is interpreted as likely pathogenic.